The following is an entry in ClinVar:

ClinVar aggregate classification (germline): Uncertain significance. Review status: criteria provided, multiple submitters, no conflicts (2 of 4 stars). 3 submissions from 3 submitters: Uncertain significance (2). 1 of the submissions does not count toward it. Last evaluated 2023-04-09.

Conditions:
TAF1-related disorder. Also called: TAF1-related condition.

Submissions (3):

Labcorp Genetics (formerly Invitae), Labcorp
Classification: Uncertain significance. Last evaluated: 2023-04-09. Review status: criteria provided, single submitter. Criteria: Invitae Variant Classification Sherloc (09022015). Collection method: clinical testing. Allele origin: germline.
Comment: In summary, the available evidence is currently insufficient to determine the role of this variant in disease. Therefore, it has been classified as a Variant of Uncertain Significance. An algorithm developed to predict the effect of missense changes on protein structure and function (PolyPhen-2) suggests that this variant is likely to be tolerated. This variant has not been reported in the literature in individuals affected with TAF1-related conditions. This variant is not present in population databases (gnomAD no frequency). This sequence change replaces histidine, which is basic and polar, with glutamine, which is neutral and polar, at codon 287 of the TAF1 protein (p.His287Gln).

Blueprint Genetics
Classification: Uncertain significance. Last evaluated: 2020-07-01. Review status: criteria provided, single submitter. Criteria: ACMG Guidelines, 2015. Collection method: clinical testing. Allele origin: germline.

PreventionGenetics, part of Exact Sciences
Classification: Uncertain significance for TAF1-related condition. Last evaluated: 2024-03-19. Review status: no assertion criteria provided. Collection method: clinical testing. Allele origin: germline. Not counted in ClinVar's aggregate classification.
Comment: The TAF1 c.861C>G variant is predicted to result in the amino acid substitution p.His287Gln. To our knowledge, this variant has not been reported in the literature or in a large population database, indicating this variant is rare. At this time, the clinical significance of this variant is uncertain due to the absence of conclusive functional and genetic evidence.

NM_004606.5(TAF1):c.801C>G (p.His267Gln)

Gene: TAF1 (TATA-box binding protein associated factor 1; plus strand). Cytogenetic location: Xq13.1.
Variant type: single nucleotide variant.
Coding change: c.801C>G on transcript NM_004606.5 (MANE Select); coding-DNA position 801, C replaced by G.
Protein change: p.His267Gln; replaces histidine 267 with glutamine.
Molecular consequence: missense variant. On other transcripts: non-coding transcript variant (9).
Genome position (GRCh38, 1-based): chrX:71,377,689, C>G. VCF-style: chrX-71377689-C-G. GRCh37 (hg19) VCF-style: chrX-70597539-C-G.
Other names: c.861C>G (NM_001286074.1); c.801C>G, p.His267Gln (NM_001286074.2); c.738C>G, p.His246Gln (NM_138923.4); short protein forms H267Q, H246Q.
Identifiers: ClinVar variation 2732510 (VCV002732510.5), dbSNP rs1169035873, ClinGen allele CA413507297.